The following is an entry in ClinVar:

NM_000844.4(GRM7):c.42G>C (p.Met14Ile)

Gene: GRM7 (glutamate metabotropic receptor 7; plus strand). Cytogenetic location: 3p26.1.
Variant type: single nucleotide variant.
Coding change: c.42G>C on transcript NM_000844.4 (MANE Select); coding-DNA position 42, G replaced by C.
Protein change: p.Met14Ile; replaces methionine 14 with isoleucine.
Molecular consequence: missense variant.
Genome position (GRCh38, 1-based): chr3:6,861,430, G>C. VCF-style: chr3-6861430-G-C. GRCh37 (hg19) VCF-style: chr3-6903117-G-C.
Other names: c.42G>C, p.Met14Ile (NM_181874.3); short protein forms M14I.
Identifiers: ClinVar variation 1972759 (VCV001972759.3), dbSNP rs751260701, ClinGen allele CA2234495.

ClinVar aggregate classification (germline): Uncertain significance (1 of 4 stars; one submission).

Allele frequency attached by ClinVar (database versions not stated): ExAC 0.00001.

Submission:

Labcorp Genetics (formerly Invitae), Labcorp
Classification: Uncertain significance. Last evaluated: 2022-01-12. Review status: criteria provided, single submitter. Criteria: Invitae Variant Classification Sherloc (09022015). Collection method: clinical testing. Allele origin: germline.
Comment: In summary, the available evidence is currently insufficient to determine the role of this variant in disease. Therefore, it has been classified as a Variant of Uncertain Significance. Algorithms developed to predict the effect of missense changes on protein structure and function (SIFT, PolyPhen-2, Align-GVGD) all suggest that this variant is likely to be tolerated. This variant has not been reported in the literature in individuals affected with GRM7-related conditions. This variant is present in population databases (rs751260701, gnomAD 0.01%). This sequence change replaces methionine, which is neutral and non-polar, with isoleucine, which is neutral and non-polar, at codon 14 of the GRM7 protein (p.Met14Ile).